The following is an entry in ClinVar:

ClinVar aggregate classification (germline): Likely pathogenic (1 of 4 stars; one submission).

Conditions:
Citrullinemia type I (CTNL1). Also called: argininosuccinate synthetase deficiency; ASS DEFICIENCY. Identifiers: Orphanet 247525, MedGen C4721769, MONDO:0008988, OMIM 215700.

Allele frequency attached by ClinVar (database versions not stated): gnomAD exomes below 0.00001.
gnomAD v4.1: 3 of 1,611,942 alleles (0.00019%); highest among the groups gnomAD compares: Non-Finnish European, 0.00025%; no homozygotes.

Submission:

Molecular Genetics Department, Kulakov National Medical Research Center for Obstetrics, Gynecology and Perinatology
Classification: Likely pathogenic for Citrullinemia type I. Review status: criteria provided, single submitter. Criteria: ACMG Guidelines, 2015. Collection method: clinical testing. Allele origin: germline. Affected: yes.
Comment: A previously undescribed nucleotide variant creates an alteration of the canonical splice site c.175-2A>G in the ASS1 gene. Homozygous and compound heterozygous variants are reported in patients with Citrullinemia, 215700. The variant is present in gnomAD population database at low frequency (1251062 chromosomes, no homozygotes). In summary, the currently available evidence indicates that the variant is pathogenic, but additional data are needed to prove that conclusively. Therefore, this variant has been classified as likely pathogenic.

NM_054012.4(ASS1):c.175-2A>G

Gene: ASS1 (argininosuccinate synthase 1; plus strand). Cytogenetic location: 9q34.11.
Variant type: single nucleotide variant.
Coding change: c.175-2A>G on transcript NM_054012.4 (MANE Select); the canonical splice acceptor site of the intron before coding-DNA position 175, A replaced by G.
Molecular consequence: splice acceptor variant.
Genome position (GRCh38, 1-based): chr9:130,458,399, A>G. VCF-style: chr9-130458399-A-G. GRCh37 (hg19) VCF-style: chr9-133333786-A-G.
Other names: c.175-2A>G (NM_000050.4).
Identifiers: ClinVar variation 3062249 (VCV003062249.1), dbSNP rs1321267678, ClinGen allele CA375224758.